The following is an entry in ClinVar:

ClinVar aggregate classification (germline): Uncertain significance (1 of 4 stars; one submission).

Conditions:
Charcot-Marie-Tooth disease dominant intermediate E. Also called: CHARCOT-MARIE-TOOTH NEUROPATHY WITH FOCAL SEGMENTAL GLOMERULONEPHRITIS. Identifiers: Orphanet 93114, MedGen C4302667, MONDO:0013758, OMIM 614455.
Focal segmental glomerulosclerosis 5 (FSGS5). Identifiers: Orphanet 656, MedGen C2750475, MONDO:0013191, OMIM 613237.

Allele frequency attached by ClinVar (database versions not stated): ESP Exome Variant Server 0.00008.

Submission:

Labcorp Genetics (formerly Invitae), Labcorp
Classification: Uncertain significance for Charcot-Marie-Tooth disease dominant intermediate E; Focal segmental glomerulosclerosis 5. Last evaluated: 2025-06-12. Review status: criteria provided, single submitter. Criteria: Invitae Variant Classification Sherloc (09022015). Collection method: clinical testing. Allele origin: germline.
Comment: This sequence change replaces serine, which is neutral and polar, with arginine, which is basic and polar, at codon 527 of the INF2 protein (p.Ser527Arg). This variant is not present in population databases (gnomAD no frequency). This variant has not been reported in the literature in individuals affected with INF2-related conditions. ClinVar contains an entry for this variant (Variation ID: 1905496). Invitae Evidence Modeling of protein sequence and biophysical properties (such as structural, functional, and spatial information, amino acid conservation, physicochemical variation, residue mobility, and thermodynamic stability) indicates that this missense variant is not expected to disrupt INF2 protein function with a negative predictive value of 95%. In summary, the available evidence is currently insufficient to determine the role of this variant in disease. Therefore, it has been classified as a Variant of Uncertain Significance.

NM_022489.4(INF2):c.1579A>C (p.Ser527Arg)

Gene: INF2 (inverted formin 2; plus strand). Cytogenetic location: 14q32.33.
Variant type: single nucleotide variant.
Coding change: c.1579A>C on transcript NM_022489.4 (MANE Select); coding-DNA position 1579, A replaced by C.
Protein change: p.Ser527Arg; replaces serine 527 with arginine.
Molecular consequence: missense variant.
Genome position (GRCh38, 1-based): chr14:104,707,846, A>C. VCF-style: chr14-104707846-A-C. GRCh37 (hg19) VCF-style: chr14-105174183-A-C.
Other names: c.1579A>C, p.Ser527Arg (NM_001031714.4); short protein forms S527R.
Identifiers: ClinVar variation 1905496 (VCV001905496.5), dbSNP rs373086375, ClinGen allele CA267323461.